The following is an entry in ClinVar:

NM_000400.4(ERCC2):c.1318G>A (p.Ala440Thr)

Gene: ERCC2 (ERCC excision repair 2, TFIIH core complex helicase subunit; minus strand). Cytogenetic location: 19q13.32.
Variant type: single nucleotide variant.
Coding change: c.1318G>A on transcript NM_000400.4 (MANE Select); coding-DNA position 1318, G replaced by A.
Protein change: p.Ala440Thr; replaces alanine 440 with threonine.
Molecular consequence: missense variant.
Genome position (GRCh38, 1-based): chr19:45,357,533, C>T on the plus strand (G>A on the coding strand, the complement: ERCC2 is on the minus strand). VCF-style: chr19-45357533-C-T. GRCh37 (hg19) VCF-style: chr19-45860791-C-T.
Other names: short protein forms A440T.
Identifiers: ClinVar variation 1769833 (VCV001769833.2), dbSNP rs768677952, ClinGen allele CA9513350.

ClinVar aggregate classification (germline): Uncertain significance (1 of 4 stars; one submission).

Conditions:
Inborn genetic diseases. Identifiers: MedGen C0950123, MeSH D030342.

Allele frequency attached by ClinVar (database versions not stated): TOPMed below 0.00001; ExAC 0.00002; gnomAD 0.00002.
gnomAD v4.1: 21 of 1,614,026 alleles (0.0013%); highest among the groups gnomAD compares: South Asian, 0.0055%; no homozygotes.

Submission:

Ambry Genetics
Classification: Uncertain significance for Inborn genetic diseases. Last evaluated: 2021-10-26. Review status: criteria provided, single submitter. Criteria: Ambry Variant Classification Scheme 2023. Collection method: clinical testing. Allele origin: germline.
Comment: The p.A440T variant (also known as c.1318G>A), located in coding exon 14 of the ERCC2 gene, results from a G to A substitution at nucleotide position 1318. The alanine at codon 440 is replaced by threonine, an amino acid with similar properties. This amino acid position is conserved. In addition, the in silico prediction for this alteration is inconclusive. Since supporting evidence is limited at this time, the clinical significance of this alteration remains unclear.